The following is an entry in ClinVar:

ClinVar aggregate classification (germline): Conflicting classifications of pathogenicity. Review status: criteria provided, conflicting classifications (1 of 4 stars). 11 submissions from 9 submitters: Uncertain significance (3); Benign (2); Likely benign (5). 1 of the submissions does not count toward it. Last evaluated 2026-02-01.

Conditions:
Cardiovascular phenotype. Identifiers: MedGen CN230736.
DSP-related disorder. Also called: DSP-related condition; DSP-related disorders.
Arrhythmogenic right ventricular dysplasia 8 (ARVD8). Also called: Arrhythmogenic Right Ventricular Dysplasia/Cardiomyopathy 8; ARRHYTHMOGENIC RIGHT VENTRICULAR DYSPLASIA, FAMILIAL, 8; ARRHYTHMOGENIC RIGHT VENTRICULAR CARDIOMYOPATHY 8. Identifiers: MedGen C1843896, MONDO:0011831, OMIM 607450.
Arrhythmogenic cardiomyopathy with wooly hair and keratoderma. Also called: Carvajal syndrome; Dilated cardiomyopathy with woolly hair and keratoderma; PALMOPLANTAR KERATODERMA WITH LEFT VENTRICULAR CARDIOMYOPATHY AND WOOLLY HAIR; Arrhythmogenic cardiomyopathy with woolly hair and keratoderma. Identifiers: Orphanet 65282, MedGen C1854063, MONDO:0011581, OMIM 605676.
Cardiomyopathy (CMYO). Also called: Cardiomyopathies. Identifiers: Orphanet 167848, MedGen C0878544, MONDO:0004994, HP:0001638. Inheritance: Various modes of inheritance.
Woolly hair-skin fragility syndrome (WHSF). Identifiers: Orphanet 293165, MedGen C1843292, MONDO:0957307, OMIM 620415.
Lethal acantholytic epidermolysis bullosa (EBLA). Identifiers: Orphanet 158687, MedGen C1864826, MONDO:0012323, OMIM 609638.

Allele frequency attached by ClinVar (database versions not stated): 1000 Genomes Project 30x 0.00016; gnomAD exomes 0.00018 and 0.00021; ExAC 0.00022; gnomAD 0.00047; TOPMed 0.00055; ESP Exome Variant Server 0.00062.
gnomAD v4.1: 380 of 1,614,164 alleles (0.024%); highest among the groups gnomAD compares: East Asian, 0.44%; 3 homozygotes.

Submissions (11):

Labcorp Genetics (formerly Invitae), Labcorp
Classification: Benign for Arrhythmogenic cardiomyopathy with wooly hair and keratoderma; Arrhythmogenic right ventricular dysplasia 8. Last evaluated: 2026-02-01. Review status: criteria provided, single submitter. Criteria: Invitae Variant Classification Sherloc (09022015). Collection method: clinical testing. Allele origin: germline.

Molecular Diagnostic Laboratory for Inherited Cardiovascular Disease, Montreal Heart Institute
Classification: Likely benign. Last evaluated: 2025-02-17. Review status: criteria provided, single submitter. Criteria: ACMG Guidelines, 2015. Collection method: clinical testing. Allele origin: germline. Affected: no.
Comment: BS1;BP6;BP7

Blueprint Genetics
Classification: Likely benign. Last evaluated: 2024-10-09. Review status: criteria provided, single submitter. Criteria: ACMG Guidelines, 2015. Collection method: clinical testing. Allele origin: germline.

Women's Health and Genetics/Laboratory Corporation of America, LabCorp
Classification: Benign. Last evaluated: 2018-08-14. Review status: criteria provided, single submitter. Criteria: LabCorp Variant Classification Summary - May 2015. Collection method: clinical testing. Allele origin: germline.
Comment: Variant summary: DSP c.8019C>T alters a non-conserved nucleotide resulting in a synonymous change. 5/5 computational tools predict no significant impact on normal splicing. However, these predictions have yet to be confirmed by functional studies. The variant allele was found at a frequency of 0.00021 in 276734 control chromosomes (gnomAD). The observed variant frequency is approximately 8-folds higher than the estimated maximal expected allele frequency for a pathogenic variant in DSP causing Cardiomyopathy phenotype (2.5e-05), strongly suggesting that the variant is benign. To our knowledge, no occurrence of c.8019C>T in individuals affected with Cardiomyopathy and no experimental evidence demonstrating its impact on protein function have been reported. Four ClinVar submissions from other clinical diagnostic laboratories (evaluation after 2014) cite the variant as "likely benign/benign"(3x) and once as "uncertain significance." Based on the evidence outlined above, the variant was classified as benign.

Color Diagnostics, LLC DBA Color Health
Classification: Likely benign for Cardiomyopathy. Last evaluated: 2018-07-15. Review status: criteria provided, single submitter. Criteria: ACMG Guidelines, 2015. Collection method: clinical testing. Allele origin: germline.

Illumina Laboratory Services, Illumina
Classification: Uncertain significance for Arrhythmogenic cardiomyopathy with wooly hair and keratoderma. Last evaluated: 2018-01-12. Review status: criteria provided, single submitter. Criteria: ICSL Variant Classification Criteria 13 December 2019. Collection method: clinical testing. Allele origin: germline.

Illumina Laboratory Services, Illumina
Classification: Uncertain significance for Arrhythmogenic right ventricular dysplasia 8. Last evaluated: 2018-01-12. Review status: criteria provided, single submitter. Criteria: ICSL Variant Classification Criteria 13 December 2019. Collection method: clinical testing. Allele origin: germline.

Illumina Laboratory Services, Illumina
Classification: Uncertain significance for Lethal acantholytic epidermolysis bullosa. Last evaluated: 2018-01-12. Review status: criteria provided, single submitter. Criteria: ICSL Variant Classification Criteria 13 December 2019. Collection method: clinical testing. Allele origin: germline.

GeneDx
Classification: Likely benign. Last evaluated: 2017-10-23. Review status: criteria provided, single submitter. Criteria: GeneDx Variant Classification (06012015). Collection method: clinical testing. Allele origin: germline. Affected: yes.
Comment: This variant is considered likely benign or benign based on one or more of the following criteria: it is a conservative change, it occurs at a poorly conserved position in the protein, it is predicted to be benign by multiple in silico algorithms, and/or has population frequency not consistent with disease.

Ambry Genetics
Classification: Likely benign for Cardiovascular phenotype. Last evaluated: 2015-10-21. Review status: criteria provided, single submitter. Criteria: Ambry Variant Classification Scheme 2023. Collection method: clinical testing. Allele origin: germline.

PreventionGenetics, part of Exact Sciences
Classification: Likely benign for DSP-related condition. Last evaluated: 2019-09-18. Review status: no assertion criteria provided. Collection method: clinical testing. Allele origin: germline. Not counted in ClinVar's aggregate classification.
Comment: This variant is classified as likely benign based on ACMG/AMP sequence variant interpretation guidelines (Richards et al. 2015 PMID: 25741868, with internal and published modifications).

NM_004415.4(DSP):c.8019C>T (p.Asp2673=)

Gene: DSP (desmoplakin; plus strand). Cytogenetic location: 6p24.3.
Variant type: single nucleotide variant.
Coding change: c.8019C>T on transcript NM_004415.4 (MANE Select); coding-DNA position 8019, C replaced by T.
Protein change: p.Asp2673=; no amino-acid change (aspartic acid 2673 retained).
Molecular consequence: synonymous variant.
Genome position (GRCh38, 1-based): chr6:7,585,281, C>T. VCF-style: chr6-7585281-C-T. GRCh37 (hg19) VCF-style: chr6-7585514-C-T.
Other names: c.8019C>T (LRG_423t1, NM_004415.3); c.6222C>T, p.Asp2074= (NM_001008844.3); c.6690C>T, p.Asp2230= (NM_001319034.2).
Identifiers: ClinVar variation 246675 (VCV000246675.26), dbSNP rs144275591, ClinGen allele CA051387.